The following is an entry in ClinVar:

ClinVar aggregate classification (germline): Pathogenic. Review status: criteria provided, multiple submitters, no conflicts (2 of 4 stars). 2 submissions from 2 submitters: Pathogenic (2). Last evaluated 2025-07-17.

Conditions:
Hereditary cancer-predisposing syndrome. Also called: Hereditary Cancer Syndrome; Neoplastic Syndromes, Hereditary; Hereditary neoplastic syndrome; Tumor predisposition. Identifiers: Orphanet 140162, MedGen C0027672, MeSH D009386, MONDO:0015356.
Ataxia-telangiectasia syndrome (AT). Also called: Cerebello-oculocutaneous telangiectasia; Immunodeficiency with ataxia telangiectasia; Ataxia-telangiectasia, complementation group E; Ataxia-telangiectasia, complementation group D; AT, COMPLEMENTATION GROUP C; ATAXIA-TELANGIECTASIA, COMPLEMENTATION GROUP A. Identifiers: Orphanet 100, MedGen C0004135, MONDO:0008840, OMIM 208900.

Submissions (2):

Labcorp Genetics (formerly Invitae), Labcorp
Classification: Pathogenic for Ataxia-telangiectasia syndrome. Last evaluated: 2025-07-17. Review status: criteria provided, single submitter. Criteria: Invitae Variant Classification Sherloc (09022015). Collection method: clinical testing. Allele origin: germline.
Comment: This sequence change creates a premature translational stop signal (p.Ser646*) in the ATM gene. It is expected to result in an absent or disrupted protein product. Loss-of-function variants in ATM are known to be pathogenic (PMID: 23807571, 25614872). This variant is not present in population databases (gnomAD no frequency). This variant has not been reported in the literature in individuals affected with ATM-related conditions. ClinVar contains an entry for this variant (Variation ID: 820380). For these reasons, this variant has been classified as Pathogenic.

Ambry Genetics
Classification: Pathogenic for Hereditary cancer-predisposing syndrome. Last evaluated: 2023-07-22. Review status: criteria provided, single submitter. Criteria: Ambry Variant Classification Scheme 2023. Collection method: clinical testing. Allele origin: germline.
Comment: The p.S646* pathogenic mutation (also known as c.1937C>G), located in coding exon 12 of the ATM gene, results from a C to G substitution at nucleotide position 1937. This changes the amino acid from a serine to a stop codon within coding exon 12. This alteration is expected to result in loss of function by premature protein truncation or nonsense-mediated mRNA decay. As such, this alteration is interpreted as a disease-causing mutation.

Literature cited by the submitters: PubMed 23807571 (cited by Labcorp Genetics (formerly Invitae), Labcorp); PubMed 25614872 (cited by Labcorp Genetics (formerly Invitae), Labcorp).

NM_000051.4(ATM):c.1937C>G (p.Ser646Ter)

Gene: ATM (ATM serine/threonine kinase; plus strand). Cytogenetic location: 11q22.3.
Variant type: single nucleotide variant.
Coding change: c.1937C>G on transcript NM_000051.4 (MANE Select); coding-DNA position 1937, C replaced by G.
Protein change: p.Ser646Ter; replaces serine 646 with a stop codon.
Molecular consequence: nonsense.
Genome position (GRCh38, 1-based): chr11:108,253,852, C>G. VCF-style: chr11-108253852-C-G. GRCh37 (hg19) VCF-style: chr11-108124579-C-G.
Other names: c.1937C>G, p.Ser646Ter (NM_001351834.2); short protein forms S646*.
Identifiers: ClinVar variation 820380 (VCV000820380.6), dbSNP rs1591534005, ClinGen allele CA382536581.